The following is an entry in ClinVar:

ClinVar aggregate classification (germline): Likely benign (1 of 4 stars; one submission).

Allele frequency attached by ClinVar (database versions not stated): TOPMed 0.00001; gnomAD 0.00002; ESP Exome Variant Server 0.00008; ExAC 0.00020.
gnomAD v4.1: 94 of 1,580,198 alleles (0.0059%); highest among the groups gnomAD compares: Middle Eastern, 0.099%; no homozygotes.

Submission:

CeGaT Center for Human Genetics Tuebingen
Classification: Likely benign. Last evaluated: 2022-06-01. Review status: criteria provided, single submitter. Criteria: CeGaT Center For Human Genetics Tuebingen Variant Classification Criteria Version 2. Collection method: clinical testing. Allele origin: germline. Affected: yes. Observed: 1 variant allele.
Comment: PBOV1: BP4, BP7

NM_021635.3(PBOV1):c.93C>T (p.Asn31=)

Genes: ARFGEF3 (ARFGEF family member 3; plus strand), PBOV1 (prostate and breast cancer overexpressed 1; minus strand). Cytogenetic location: 6q23.3.
Variant type: single nucleotide variant.
Coding change: c.93C>T on transcript NM_021635.3 (MANE Select); coding-DNA position 93, C replaced by T.
Protein change: p.Asn31=; no amino-acid change (asparagine 31 retained).
Molecular consequence: synonymous variant. On other transcripts: intron variant (1).
Genome position (GRCh38, 1-based): chr6:138,218,303, G>A on the plus strand (C>T on the coding strand, the complement: PBOV1 is on the minus strand). VCF-style: chr6-138218303-G-A. GRCh37 (hg19) VCF-style: chr6-138539440-G-A.
Other names: c.351+8262G>A (NM_020340.5).
Identifiers: ClinVar variation 2656937 (VCV002656937.24), dbSNP rs146062869, ClinGen allele CA4020260.